The following is an entry in ClinVar:

NM_001561.6(TNFRSF9):c.328_332del (p.Gln110fs)

Gene: TNFRSF9 (TNF receptor superfamily member 9; minus strand). Cytogenetic location: 1p36.23.
Variant type: Deletion.
Coding change: c.328_332del on transcript NM_001561.6 (MANE Select); coding-DNA positions 328 to 332, 5 bases deleted (CAAGA; older notation c.328_332delCAAGA).
Protein change: p.Gln110fs; shifts the reading frame from glutamine 110.
Molecular consequence: frameshift variant.
Genome position (GRCh38, 1-based): chr1:7,938,207-7,938,211, TCTTG deleted on the plus strand (CAAGA on the coding strand, the reverse complement: TNFRSF9 is on the minus strand). VCF-style (leftmost placement, unchanged base first): chr1-7938206-TTCTTG-T. GRCh37 (hg19) VCF-style: chr1-7998266-TTCTTG-T.
Other names: short protein forms Q110fs.
Identifiers: ClinVar variation 3727116 (VCV003727116.2).
Genomic context (GRCh38, chr1:7,938,206, plus strand): 5'-TTGTCTATGTCACAAAACTACACTAGATCAAAGAAACGCAAACGTACCTTTTTTTGTCAG[TTCTTG>T]ACCTTGTTTACAATCCTGTTCACACATGCTGCATCCTGCCCCCAGGCAGTGAAACCCTGG-3'

ClinVar aggregate classification (germline): Pathogenic (1 of 4 stars; one submission).

Submission:

Labcorp Genetics (formerly Invitae), Labcorp
Classification: Pathogenic. Last evaluated: 2024-12-17. Review status: criteria provided, single submitter. Criteria: Invitae Variant Classification Sherloc (09022015). Collection method: clinical testing. Allele origin: germline.
Comment: This sequence change creates a premature translational stop signal (p.Gln110Thrfs*7) in the TNFRSF9 gene. It is expected to result in an absent or disrupted protein product. Loss-of-function variants in TNFRSF9 are known to be pathogenic (PMID: 30872117, 31501153). This variant is not present in population databases (gnomAD no frequency). This variant has not been reported in the literature in individuals affected with TNFRSF9-related conditions. Algorithms developed to predict the effect of sequence changes on RNA splicing suggest that this variant may create or strengthen a splice site. For these reasons, this variant has been classified as Pathogenic.

Literature cited by the submitters: PubMed 30872117; PubMed 31501153.